The following is an entry in ClinVar:

NM_002495.4(NDUFS4):c.102G>A (p.Ser34=)

Gene: NDUFS4 (NADH:ubiquinone oxidoreductase subunit S4; plus strand). Cytogenetic location: 5q11.2.
Variant type: single nucleotide variant.
Coding change: c.102G>A on transcript NM_002495.4 (MANE Select); coding-DNA position 102, G replaced by A.
Protein change: p.Ser34=; no amino-acid change (serine 34 retained).
Molecular consequence: synonymous variant. On other transcripts: non-coding transcript variant (3).
Genome position (GRCh38, 1-based): chr5:53,603,455, G>A. VCF-style: chr5-53603455-G-A. GRCh37 (hg19) VCF-style: chr5-52899285-G-A.
Other names: p.S34S:TCG>TCA; c.102G>A, p.Ser34= (NM_001318051.2).
Identifiers: ClinVar variation 138492 (VCV000138492.15), dbSNP rs138941073, ClinGen allele CA292505.

ClinVar aggregate classification (germline): Conflicting classifications of pathogenicity. Review status: criteria provided, conflicting classifications (1 of 4 stars). 5 submissions from 4 submitters: Uncertain significance (2); Benign (2); Likely benign (1). Last evaluated 2026-02-04.

Conditions:
Mitochondrial complex I deficiency, nuclear type 1. Also called: NADH-COENZYME Q REDUCTASE DEFICIENCY; MITOCHONDRIAL NADH DEHYDROGENASE COMPONENT OF COMPLEX I, DEFICIENCY OF. Identifiers: MedGen C6022305, MONDO:0100224, OMIM 252010.
Leigh syndrome (NULS). Also called: Leigh Disease; Subacute necrotizing encephalopathy; Necrotizing encephalopathy infantile subacute of Leigh; Leigh Syndrome (mtDNA deletion); Leigh's necrotizing encephalopathy; Leigh's disease. Identifiers: Orphanet 506, MedGen C2931891, MONDO:0009723, OMIM 256000.

Allele frequency attached by ClinVar (database versions not stated): gnomAD exomes 0.00017 and 0.00056; ExAC 0.00062; gnomAD 0.00203 and 0.00215; ESP Exome Variant Server 0.00208; TOPMed 0.00244; 1000 Genomes Project 0.00300; 1000 Genomes Project 30x 0.00328.
gnomAD v4.1: 575 of 1,612,180 alleles (0.036%); highest among the groups gnomAD compares: African/African-American, 0.64%; 2 homozygotes.

Submissions (5):

Labcorp Genetics (formerly Invitae), Labcorp
Classification: Benign. Last evaluated: 2026-02-04. Review status: criteria provided, single submitter. Criteria: Invitae Variant Classification Sherloc (09022015). Collection method: clinical testing. Allele origin: germline.

Blueprint Genetics
Classification: Likely benign. Last evaluated: 2024-08-28. Review status: criteria provided, single submitter. Criteria: ACMG Guidelines, 2015. Collection method: clinical testing. Allele origin: germline.

Illumina Laboratory Services, Illumina
Classification: Uncertain significance for Leigh syndrome. Last evaluated: 2018-01-13. Review status: criteria provided, single submitter. Criteria: ICSL Variant Classification Criteria 13 December 2019. Collection method: clinical testing. Allele origin: germline.

Illumina Laboratory Services, Illumina
Classification: Uncertain significance for Mitochondrial complex I deficiency, nuclear type 1. Last evaluated: 2018-01-13. Review status: criteria provided, single submitter. Criteria: ICSL Variant Classification Criteria 13 December 2019. Collection method: clinical testing. Allele origin: germline.

GeneDx
Classification: Benign. Last evaluated: 2014-02-03. Review status: criteria provided, single submitter. Criteria: GeneDx Variant Classification (06012015). Collection method: clinical testing. Allele origin: germline. Affected: yes.
Comment: This variant is considered likely benign or benign based on one or more of the following criteria: it is a conservative change, it occurs at a poorly conserved position in the protein, it is predicted to be benign by multiple in silico algorithms, and/or has population frequency not consistent with disease.